The following is an entry in ClinVar:

NM_001267550.2(TTN):c.18496T>G (p.Ser6166Ala)

Genes: TTN (titin; minus strand), LOC126806430 (BRD4-independent group 4 enhancer GRCh37_chr2:179593794-179594993; plus strand). Cytogenetic location: 2q31.2.
Variant type: single nucleotide variant.
Coding change: c.18496T>G on transcript NM_001267550.2 (MANE Select); coding-DNA position 18496, T replaced by G.
Protein change: p.Ser6166Ala; replaces serine 6166 with alanine.
Molecular consequence: missense variant. On other transcripts: intron variant (3).
Genome position (GRCh38, 1-based): chr2:178,729,757, A>C on the plus strand (T>G on the coding strand, the complement: TTN is on the minus strand). VCF-style: chr2-178729757-A-C. GRCh37 (hg19) VCF-style: chr2-179594484-A-C.
Other names: c.17545T>G, p.Ser5849Ala (NM_001256850.1); c.14764T>G, p.Ser4922Ala (NM_133378.4); c.13282+8325T>G (NM_003319.4); c.13858+8325T>G (NM_133437.4); c.13657+8325T>G (NM_133432.3); short protein forms S4922A, S5849A, S6166A.
Identifiers: ClinVar variation 3776587 (VCV003776587.1).

ClinVar aggregate classification (germline): Uncertain significance (1 of 4 stars; one submission).

gnomAD v4.1: 1 of 1,613,770 alleles (0.000062%); highest among the groups gnomAD compares: African/African-American, 0.0013%; no homozygotes.

Submission:

GeneDx
Classification: Uncertain significance. Last evaluated: 2024-10-04. Review status: criteria provided, single submitter. Criteria: GeneDx Variant Classification Process June 2021. Collection method: clinical testing. Allele origin: germline. Affected: yes.
Comment: Not observed at significant frequency in large population cohorts (gnomAD); Missense variant in a gene in which most reported pathogenic variants are truncating/loss of function; Has not been previously published as pathogenic or benign to our knowledge